The following is an entry in ClinVar:

ClinVar aggregate classification (germline): Uncertain significance (1 of 4 stars; one submission).

gnomAD v4.1: 1 of 1,609,198 alleles (0.000062%); highest among the groups gnomAD compares: Admixed American, 0.0017%; no homozygotes.

Submission:

Dasa
Classification: Uncertain significance. Last evaluated: 2025-01-04. Review status: criteria provided, single submitter. Criteria: DASA Assertion Criteria. Collection method: clinical testing. Allele origin: germline.
Comment: NM_005052.3(RAC3):c.551A>G (p.Lys184Arg) is a missense variant that results in the substitution of lysine with arginine. This variant is rare in population databases. Computational prediction algorithms are consistent with a benign effect. The currently available literature and clinical evidence are not sufficient to establish a definitive association between this variant and the reported condition. Therefore, this variant is classified as a variant of uncertain significance.

NM_005052.3(RAC3):c.551A>G (p.Lys184Arg)

Gene: RAC3 (Rac family small GTPase 3; plus strand). Cytogenetic location: 17q25.3.
Variant type: single nucleotide variant.
Coding change: c.551A>G on transcript NM_005052.3 (MANE Select); coding-DNA position 551, A replaced by G.
Protein change: p.Lys184Arg; replaces lysine 184 with arginine.
Molecular consequence: missense variant. On other transcripts: 3 prime UTR variant (1).
Genome position (GRCh38, 1-based): chr17:82,033,801, A>G. VCF-style: chr17-82033801-A-G. GRCh37 (hg19) VCF-style: chr17-79991677-A-G.
Other names: c.*42A>G (NM_001316307.2); short protein forms K184R.
Identifiers: ClinVar variation 4883332 (VCV004883332.2).
Genomic context (GRCh38, chr17:82,033,801, plus strand): 5'-GCCTGAAGACAGTGTTTGACGAGGCGATCCGCGCGGTGCTCTGCCCGCCCCCAGTGAAGA[A>G]GCCGGGGAAGAAGTGCACCGTCTTCTAGAGCCCTGGCCCACCCGAGCCTGAGGGCTGGCG-3'
Protein context (NP_005043.1, residues 174-192): RAVLCPPPVK[Lys184Arg]PGKKCTVF